The following is an entry in ClinVar:

ClinVar aggregate classification (germline): Uncertain significance (1 of 4 stars; one submission).

Conditions:
Mitochondrial complex I deficiency, nuclear type 1. Also called: NADH-COENZYME Q REDUCTASE DEFICIENCY; MITOCHONDRIAL NADH DEHYDROGENASE COMPONENT OF COMPLEX I, DEFICIENCY OF. Identifiers: MedGen C6022305, MONDO:0100224, OMIM 252010.

gnomAD v4.1: 1 of 1,611,664 alleles (0.000062%); highest among the groups gnomAD compares: Non-Finnish European, 0.000085%; no homozygotes.

Submission:

Baylor Genetics
Classification: Uncertain significance for Mitochondrial complex I deficiency, nuclear type 1. Last evaluated: 2018-09-21. Review status: criteria provided, single submitter. Criteria: ACMG Guidelines, 2015. Collection method: clinical testing. Allele origin: unknown. Affected: yes.
Comment: This variant was determined to be of uncertain significance according to ACMG Guidelines, 2015 [PMID:25741868].

NM_014165.4(NDUFAF4):c.268C>T (p.Pro90Ser)

Gene: NDUFAF4 (NADH:ubiquinone oxidoreductase complex assembly factor 4; minus strand). Cytogenetic location: 6q16.1.
Variant type: single nucleotide variant.
Coding change: c.268C>T on transcript NM_014165.4 (MANE Select); coding-DNA position 268, C replaced by T.
Protein change: p.Pro90Ser; replaces proline 90 with serine.
Molecular consequence: missense variant.
Genome position (GRCh38, 1-based): chr6:96,891,364, G>A on the plus strand (C>T on the coding strand, the complement: NDUFAF4 is on the minus strand). VCF-style: chr6-96891364-G-A. GRCh37 (hg19) VCF-style: chr6-97339240-G-A.
Other names: short protein forms P90S.
Identifiers: ClinVar variation 1031803 (VCV001031803.1), dbSNP rs1775313687, ClinGen allele CA365279994.